The following is an entry in ClinVar:

NM_007118.4(TRIO):c.4267A>T (p.Ile1423Phe)

Gene: TRIO (trio Rho guanine nucleotide exchange factor; plus strand). Cytogenetic location: 5p15.2.
Variant type: single nucleotide variant.
Coding change: c.4267A>T on transcript NM_007118.4 (MANE Select); coding-DNA position 4267, A replaced by T.
Protein change: p.Ile1423Phe; replaces isoleucine 1423 with phenylalanine.
Molecular consequence: missense variant. On other transcripts: non-coding transcript variant (1).
Genome position (GRCh38, 1-based): chr5:14,394,086, A>T. VCF-style: chr5-14394086-A-T. GRCh37 (hg19) VCF-style: chr5-14394195-A-T.
Other names: short protein forms I1423F.
Identifiers: ClinVar variation 1022011 (VCV001022011.8), dbSNP rs1747350463, ClinGen allele CA359232914.
Genomic context (GRCh38, chr5:14,394,086, plus strand): 5'-GTTTTAATACAGGAGATACAGCAGCGACATGGATTAGCCAATTCCATTTCTTCCTACCTT[A>T]TTAAACCAGTTCAGCGAATAACGAAGTATCAGCTCCTTTTAAAAGTATGTATAATGCGTC-3'
Protein context (NP_009049.2, residues 1413-1433): GLANSISSYL[Ile1423Phe]KPVQRITKYQ

ClinVar aggregate classification (germline): Uncertain significance (1 of 4 stars; one submission).

Submission:

Labcorp Genetics (formerly Invitae), Labcorp
Classification: Uncertain significance. Last evaluated: 2022-07-26. Review status: criteria provided, single submitter. Criteria: Invitae Variant Classification Sherloc (09022015). Collection method: clinical testing. Allele origin: germline.
Comment: This sequence change replaces isoleucine, which is neutral and non-polar, with phenylalanine, which is neutral and non-polar, at codon 1423 of the TRIO protein (p.Ile1423Phe). This variant is not present in population databases (gnomAD no frequency). This variant has not been reported in the literature in individuals affected with TRIO-related conditions. ClinVar contains an entry for this variant (Variation ID: 1022011). Algorithms developed to predict the effect of missense changes on protein structure and function are either unavailable or do not agree on the potential impact of this missense change (SIFT: "Not Available"; PolyPhen-2: "Probably Damaging"; Align-GVGD: "Not Available"). In summary, the available evidence is currently insufficient to determine the role of this variant in disease. Therefore, it has been classified as a Variant of Uncertain Significance.